The following is an entry in ClinVar:

NM_000297.4(PKD2):c.577_595+1dup

Genes: PKD2 (polycystin 2, transient receptor potential cation channel; plus strand), LOC129992813 (ATAC-STARR-seq lymphoblastoid silent region 15559; plus strand). Cytogenetic location: 4q22.1.
Variant type: Duplication.
Coding change: c.577_595+1dup on transcript NM_000297.4 (MANE Select); coding-DNA position 577 through the canonical splice donor site of the intron after coding-DNA position 595, 20 bases duplicated (CTGGTTCGCGGGCTGCGAGG).
Molecular consequence: splice donor variant.
Genome position (GRCh38, 1-based): chr4:88,008,310-88,008,329, CTGGTTCGCGGGCTGCGAGG duplicated; duplicating any 20 consecutive bases within chr4:88,008,306-88,008,329 gives the same sequence; the c. name uses the placement nearest the transcript's 3' end. VCF-style (leftmost placement, unchanged base first): chr4-88008305-A-AGAGGCTGGTTCGCGGGCTGC. GRCh37 (hg19) VCF-style: chr4-88929457-A-AGAGGCTGGTTCGCGGGCTGC.
Other names: c.577_595+1dup (NM_001440544.1).
Identifiers: ClinVar variation 4999012 (VCV004999012.1).

ClinVar aggregate classification (germline): Likely pathogenic (1 of 4 stars; one submission).

Conditions:
PKD2-related disorder. Also called: PKD2-related condition.

Submission:

PreventionGenetics, part of Exact Sciences
Classification: Likely pathogenic for PKD2-related condition. Last evaluated: 2025-10-30. Review status: criteria provided, single submitter. Criteria: ACMG Guidelines, 2015. Collection method: clinical testing. Allele origin: germline.
Comment: The PKD2 c.577_595+1dup20 variant is predicted to result in a duplication affecting a canonical splice site. To our knowledge, this variant has not been reported in the literature or in a large population database (gnomAD), indicating this variant is rare. Variants that disrupt the consensus splice donor site in PKD2 are expected to be pathogenic. This variant is interpreted as likely pathogenic.